The following is an entry in ClinVar:

NR_001566.3(TERC):n.9G>A

Genes: TERC (telomerase RNA component; minus strand), LOC110806306 (telomerase RNA component (TERC) promoter; plus strand). Cytogenetic location: 3q26.2.
Variant type: single nucleotide variant.
Molecular consequence: non-coding transcript variant (on NR_001566.3).
Genome position: GRCh38 VCF-style: chr3-169765052-C-T. GRCh37 (hg19) VCF-style: chr3-169482840-C-T.
Identifiers: ClinVar variation 4734604 (VCV004734604.1).

ClinVar aggregate classification (germline): Uncertain significance (1 of 4 stars; one submission).

Conditions:
Dyskeratosis congenita, autosomal dominant 1 (DKCA1). Also called: Dyskeratosis congenita Scoggins type. Identifiers: Orphanet 1775, MedGen C4551974, MONDO:0007485, OMIM 127550. Inheritance: Variable.

Submission:

Labcorp Genetics (formerly Invitae), Labcorp
Classification: Uncertain significance for Dyskeratosis congenita, autosomal dominant 1. Last evaluated: 2026-01-18. Review status: criteria provided, single submitter. Criteria: Invitae Variant Classification Sherloc (09022015). Collection method: clinical testing. Allele origin: germline.
Comment: This variant occurs in the TERC gene, which encodes an RNA molecule that does not result in a protein product. This variant is not present in population databases (gnomAD no frequency). This variant has not been reported in the literature in individuals affected with TERC-related conditions. This variant is located at the 5’ end of the TERC RNA component (PMID: 15082312, 21844345). The functional significance of this region is not well understood. In summary, the available evidence is currently insufficient to determine the role of this variant in disease. Therefore, it has been classified as a Variant of Uncertain Significance.

Literature cited by the submitters: PubMed 15082312; PubMed 21844345.